The following is an entry in ClinVar:

ClinVar aggregate classification (germline): Pathogenic (1 of 4 stars; one submission).

Conditions:
Hereditary cancer-predisposing syndrome. Also called: Hereditary Cancer Syndrome; Hereditary neoplastic syndrome; Neoplastic Syndromes, Hereditary; Tumor predisposition. Identifiers: Orphanet 140162, MedGen C0027672, MeSH D009386, MONDO:0015356.

Submission:

Ambry Genetics
Classification: Pathogenic for Hereditary cancer-predisposing syndrome. Last evaluated: 2020-02-25. Review status: criteria provided, single submitter. Criteria: Ambry Variant Classification Scheme 2023. Collection method: clinical testing. Allele origin: germline.
Comment: The c.1427_1433delAGGGCTA variant, located in coding exon 4 of the MSH6 gene, results from a deletion of 7 nucleotides at nucleotide positions 1427 to 1433, causing a translational frameshift with a predicted alternate stop codon (p.K476Ifs*3). This alteration is expected to result in loss of function by premature protein truncation or nonsense-mediated mRNA decay. As such, this alteration is interpreted as a disease-causing mutation.

NM_000179.3(MSH6):c.1427_1433del (p.Lys476fs)

Gene: MSH6 (mutS homolog 6; plus strand). Cytogenetic location: 2p16.3.
Variant type: Deletion.
Coding change: c.1427_1433del on transcript NM_000179.3 (MANE Select); coding-DNA positions 1427 to 1433, 7 bases deleted (AGGGCTA; older notation c.1427_1433delAGGGCTA).
Protein change: p.Lys476fs; shifts the reading frame from lysine 476.
Molecular consequence: frameshift variant.
Genome position (GRCh38, 1-based): chr2:47,799,410-47,799,416, AGGGCTA deleted; deleting any 7 consecutive bases within chr2:47,799,409-47,799,416 gives the same sequence; the c. name uses the placement nearest the transcript's 3' end. VCF-style (leftmost placement, unchanged base first): chr2-47799408-GAAGGGCT-G. GRCh37 (hg19) VCF-style: chr2-48026547-GAAGGGCT-G.
Other names: c.1037_1043del, p.Lys346fs (NM_001281492.2); c.521_527del, p.Lys174fs (NM_001281493.2, NM_001281494.2); c.1523_1529delAGGGCTA, p.Lys508Ilefs (NM_001406795.1, NM_001406802.1); c.1427_1433delAGGGCTA, p.Lys476Ilefs (NM_001406796.1, NM_001406798.1, NM_001406800.1 and 4 more transcripts); c.1130_1136delAGGGCTA, p.Lys377Ilefs (NM_001406797.1, NM_001406801.1, NM_001406805.1 and 10 more transcripts); c.902_908delAGGGCTA, p.Lys301Ilefs (NM_001406799.1, NM_001406806.1, NM_001406807.1); c.1349_1355delAGGGCTA, p.Lys450Ilefs (NM_001406804.1); c.521_527delAGGGCTA, p.Lys174Ilefs (NM_001406811.1, NM_001406812.1, NM_001406814.1 and 4 more transcripts); and 2 more; short protein forms K174fs, K346fs, K476fs.
Identifiers: ClinVar variation 1772385 (VCV001772385.2), dbSNP rs2530608990, ClinGen allele CA2580067588.
Genomic context (GRCh38, chr2:47,799,408, plus strand): 5'-CTGGGCCCATTCTGGCTTTCCTGAAATTGCATTTGGCCGTTATTCAGATTCCCTGGTGCA[GAAGGGCT>G]ATAAAGTAGCACGAGTGGAACAGACTGAGACTCCAGAAATGATGGAGGCACGATGTAGAA-3'